The following is an entry in ClinVar:

NM_000701.8(ATP1A1):c.2265T>A (p.Phe755Leu)

Genes: ATP1A1 (ATPase Na+/K+ transporting subunit alpha 1; plus strand), ATP1A1-AS1 (ATP1A1 antisense RNA 1; minus strand). Cytogenetic location: 1p13.1.
Variant type: single nucleotide variant.
Coding change: c.2265T>A on transcript NM_000701.8 (MANE Select); coding-DNA position 2265, T replaced by A.
Protein change: p.Phe755Leu; replaces phenylalanine 755 with leucine.
Molecular consequence: missense variant.
Genome position (GRCh38, 1-based): chr1:116,398,761, T>A. VCF-style: chr1-116398761-T-A. GRCh37 (hg19) VCF-style: chr1-116941383-T-A.
Other names: c.2265T>A, p.Phe755Leu (NM_001160233.2); c.2172T>A, p.Phe724Leu (NM_001160234.2); short protein forms F724L, F755L.
Identifiers: ClinVar variation 3363475 (VCV003363475.2).

ClinVar aggregate classification (germline): Uncertain significance (1 of 4 stars; one submission).

Submission:

GeneDx
Classification: Uncertain significance. Last evaluated: 2026-08-13. Review status: criteria provided, single submitter. Criteria: GeneDx Variant Classification Process June 2021. Collection method: clinical testing. Allele origin: germline.
Comment: Not observed at significant frequency in large population cohorts (gnomAD); In silico analysis supports that this missense variant has a deleterious effect on protein structure/function; Has not been previously published as pathogenic or benign to our knowledge